The following is an entry in ClinVar:

ClinVar aggregate classification (germline): Uncertain significance (1 of 4 stars; one submission).

Submission:

Athena Diagnostics
Classification: Uncertain significance. Last evaluated: 2025-04-28. Review status: criteria provided, single submitter. Criteria: Athena Diagnostics Criteria. Collection method: clinical testing. Allele origin: unknown.
Comment: Available data are insufficient to determine the clinical significance of the variant at this time. This variant has not been reported in large, multi-ethnic general populations. Computational tools yielded predictions that this variant may result in the gain of a cryptic splice site without affecting the natural splice sites.

NM_000334.4(SCN4A):c.1284G>A (p.Val428=)

Gene: SCN4A (sodium voltage-gated channel alpha subunit 4; minus strand). Cytogenetic location: 17q23.3.
Variant type: single nucleotide variant.
Coding change: c.1284G>A on transcript NM_000334.4 (MANE Select); coding-DNA position 1284, G replaced by A.
Protein change: p.Val428=; no amino-acid change (valine 428 retained).
Molecular consequence: synonymous variant.
Genome position (GRCh38, 1-based): chr17:63,964,636, C>T on the plus strand (G>A on the coding strand, the complement: SCN4A is on the minus strand). VCF-style: chr17-63964636-C-T. GRCh37 (hg19) VCF-style: chr17-62041996-C-T.
Identifiers: ClinVar variation 4682320 (VCV004682320.1).